The following is an entry in ClinVar:

ClinVar aggregate classification (germline): Uncertain significance (1 of 4 stars; one submission).

Submission:

Labcorp Genetics (formerly Invitae), Labcorp
Classification: Uncertain significance. Last evaluated: 2025-12-28. Review status: criteria provided, single submitter. Criteria: Invitae Variant Classification Sherloc (09022015). Collection method: clinical testing. Allele origin: germline.
Comment: This sequence change replaces glycine, which is neutral and non-polar, with valine, which is neutral and non-polar, at codon 48 of the GPR45 protein (p.Gly48Val). This variant is not present in population databases (gnomAD no frequency). This variant has not been reported in the literature in individuals affected with GPR45-related conditions. An algorithm developed to predict the effect of missense changes on protein structure and function (PolyPhen-2) suggests that this variant is likely to be disruptive. In summary, the available evidence is currently insufficient to determine the role of this variant in disease. Therefore, it has been classified as a Variant of Uncertain Significance.

NM_007227.3(GPR45):c.143G>T (p.Gly48Val)

Gene: GPR45 (G protein-coupled receptor 45; plus strand). Cytogenetic location: 2q12.1.
Variant type: single nucleotide variant.
Coding change: c.143G>T on transcript NM_007227.3 (MANE Select); coding-DNA position 143, G replaced by T.
Protein change: p.Gly48Val; replaces glycine 48 with valine.
Molecular consequence: missense variant.
Genome position (GRCh38, 1-based): chr2:105,242,001, G>T. VCF-style: chr2-105242001-G-T. GRCh37 (hg19) VCF-style: chr2-105858458-G-T.
Other names: short protein forms G48V.
Identifiers: ClinVar variation 4749877 (VCV004749877.1).